The following is an entry in ClinVar:

ClinVar aggregate classification (germline): Likely benign (0 of 4 stars; one submission).

Conditions:
VARS1-related disorder. Also called: VARS1-related condition.

Submission:

PreventionGenetics, part of Exact Sciences
Classification: Likely benign for VARS1-related condition. Last evaluated: 2019-04-09. Review status: no assertion criteria provided. Collection method: clinical testing. Allele origin: germline.
Comment: This variant is classified as likely benign based on ACMG/AMP sequence variant interpretation guidelines (Richards et al. 2015 PMID: 25741868, with internal and published modifications).

NM_006295.3(VARS1):c.222T>C (p.Ala74=)

Gene: VARS1 (valyl-tRNA synthetase 1; minus strand). Cytogenetic location: 6p21.33.
Variant type: single nucleotide variant.
Coding change: c.222T>C on transcript NM_006295.3 (MANE Select); coding-DNA position 222, T replaced by C.
Protein change: p.Ala74=; no amino-acid change (alanine 74 retained).
Molecular consequence: synonymous variant.
Genome position (GRCh38, 1-based): chr6:31,794,996, A>G on the plus strand (T>C on the coding strand, the complement: VARS1 is on the minus strand). VCF-style: chr6-31794996-A-G. GRCh37 (hg19) VCF-style: chr6-31762773-A-G.
Identifiers: ClinVar variation 3046781 (VCV003046781.2), dbSNP rs2480951410, ClinGen allele CA449804327.